The following is an entry in ClinVar:

NM_004260.4(RECQL4):c.3578_3583del (p.His1193_Ala1194del)

Gene: RECQL4 (RecQ like helicase 4; minus strand). Cytogenetic location: 8q24.3.
Variant type: Deletion.
Coding change: c.3578_3583del on transcript NM_004260.4 (MANE Select); coding-DNA positions 3578 to 3583, 6 bases deleted (ATGCCC; older notation c.3578_3583delATGCCC).
Protein change: p.His1193_Ala1194del.
Molecular consequence: inframe deletion.
Genome position (GRCh38, 1-based): chr8:144,511,475-144,511,480, GGGCAT deleted on the plus strand (ATGCCC on the coding strand, the reverse complement: RECQL4 is on the minus strand); deleting any 6 consecutive bases within chr8:144,511,475-144,511,482 gives the same sequence; the c. name uses the placement nearest the transcript's 3' end. VCF-style (leftmost placement, unchanged base first): chr8-144511474-AGGGCAT-A. GRCh37 (hg19) VCF-style: chr8-145736857-AGGGCAT-A.
Identifiers: ClinVar variation 1346255 (VCV001346255.6), dbSNP rs2130648343, ClinGen allele CA2573143036.

ClinVar aggregate classification (germline): Uncertain significance (1 of 4 stars; one submission).

Conditions:
Baller-Gerold syndrome (BGS). Also called: CRANIOSYNOSTOSIS WITH RADIAL DEFECTS. Identifiers: Orphanet 1225, MedGen C0265308, MONDO:0009039, OMIM 218600.

Submission:

Labcorp Genetics (formerly Invitae), Labcorp
Classification: Uncertain significance for Baller-Gerold syndrome. Last evaluated: 2021-10-21. Review status: criteria provided, single submitter. Criteria: Invitae Variant Classification Sherloc (09022015). Collection method: clinical testing. Allele origin: germline.
Comment: This variant, c.3578_3583del, results in the deletion of 2 amino acids of the RECQL4 protein (p.His1193_Ala1194del), but otherwise preserves the integrity of the reading frame. This variant is not present in population databases (ExAC no frequency). This variant has not been reported in the literature in individuals affected with RECQL4-related conditions. Experimental studies and prediction algorithms are not available or were not evaluated, and the functional significance of this variant is currently unknown. In summary, the available evidence is currently insufficient to determine the role of this variant in disease. Therefore, it has been classified as a Variant of Uncertain Significance.